The following is an entry in ClinVar:

ClinVar aggregate classification (germline): Pathogenic/Likely pathogenic. Review status: criteria provided, multiple submitters, no conflicts (2 of 4 stars). 4 submissions from 4 submitters: Pathogenic (3); Likely pathogenic (1). Last evaluated 2026-02-17.

Conditions:
WFS1-related disorder. Identifiers: MedGen CN379391, MONDO:0700293.

Allele frequency attached by ClinVar (database versions not stated): gnomAD exomes below 0.00001 and 0.00002.
gnomAD v4.1: 6 of 1,613,366 alleles (0.00037%); highest among the groups gnomAD compares: Admixed American, 0.005%; no homozygotes.

Submissions (4):

GeneDx
Classification: Pathogenic. Last evaluated: 2026-02-17. Review status: criteria provided, single submitter. Criteria: GeneDx Variant Classification Process June 2021. Collection method: clinical testing. Allele origin: germline.
Comment: Nonsense variant predicted to result in protein truncation in a gene for which loss-of-function is a known mechanism of disease; Not observed at significant frequency in large population cohorts (gnomAD); This variant is associated with the following publications: (PMID: 28432734, 10521293, 34406036, 32042493, 33841295, 36208030, 32179840)

Labcorp Genetics (formerly Invitae), Labcorp
Classification: Pathogenic. Last evaluated: 2025-02-11. Review status: criteria provided, single submitter. Criteria: Invitae Variant Classification Sherloc (09022015). Collection method: clinical testing. Allele origin: germline.
Comment: This sequence change creates a premature translational stop signal (p.Gln668*) in the WFS1 gene. While this is not anticipated to result in nonsense mediated decay, it is expected to disrupt the last 223 amino acid(s) of the WFS1 protein. This variant is present in population databases (no rsID available, gnomAD 0.003%). This premature translational stop signal has been observed in individual(s) with clinical features of autosomal recessive Wolfram syndrome (PMID: 10521293, 23981289, 28432734, 32179840). ClinVar contains an entry for this variant (Variation ID: 1323770). For these reasons, this variant has been classified as Pathogenic.

Mayo Clinic Laboratories, Mayo Clinic
Classification: Likely pathogenic. Last evaluated: 2023-06-15. Review status: criteria provided, single submitter. Criteria: ACMG Guidelines, 2015. Collection method: clinical testing. Allele origin: germline. Observed: 1 variant allele.
Comment: PM2, PM3, PVS1_strong

Blueprint Genetics
Classification: Pathogenic for WFS1-related disorders. Last evaluated: 2022-10-26. Review status: criteria provided, single submitter. Criteria: ACMG Guidelines, 2015. Collection method: clinical testing. Allele origin: germline. Affected: yes. Observed: 2 variant alleles.

Literature cited by the submitters: PubMed 10521293 (cited by Labcorp Genetics (formerly Invitae), Labcorp and Mayo Clinic Laboratories, Mayo Clinic); PubMed 23981289 (cited by Labcorp Genetics (formerly Invitae), Labcorp and Mayo Clinic Laboratories, Mayo Clinic); PubMed 28432734 (cited by Labcorp Genetics (formerly Invitae), Labcorp and Mayo Clinic Laboratories, Mayo Clinic); PubMed 32179840 (cited by Labcorp Genetics (formerly Invitae), Labcorp and Mayo Clinic Laboratories, Mayo Clinic); PubMed 33841295 (cited by Mayo Clinic Laboratories, Mayo Clinic).

NM_006005.3(WFS1):c.2002C>T (p.Gln668Ter)

Gene: WFS1 (wolframin ER transmembrane glycoprotein; plus strand). Cytogenetic location: 4p16.1.
Variant type: single nucleotide variant.
Coding change: c.2002C>T on transcript NM_006005.3 (MANE Select); coding-DNA position 2002, C replaced by T.
Protein change: p.Gln668Ter; replaces glutamine 668 with a stop codon.
Molecular consequence: nonsense.
Genome position (GRCh38, 1-based): chr4:6,301,797, C>T. VCF-style: chr4-6301797-C-T. GRCh37 (hg19) VCF-style: chr4-6303524-C-T.
Other names: p.Gln668*; c.2002C>T, p.Gln668Ter (NM_001145853.1); short protein forms Q668*.
Identifiers: ClinVar variation 1323770 (VCV001323770.12), dbSNP rs1335308693, ClinGen allele CA356177264.